The following is an entry in ClinVar:

NM_000038.6(APC):c.3497A>G (p.Tyr1166Cys)

Gene: APC (APC regulator of Wnt signaling pathway; plus strand). Cytogenetic location: 5q22.2.
Variant type: single nucleotide variant.
Coding change: c.3497A>G on transcript NM_000038.6 (MANE Select); coding-DNA position 3497, A replaced by G.
Protein change: p.Tyr1166Cys; replaces tyrosine 1166 with cysteine.
Molecular consequence: missense variant. On other transcripts: non-coding transcript variant (2).
Genome position (GRCh38, 1-based): chr5:112,839,091, A>G. VCF-style: chr5-112839091-A-G. GRCh37 (hg19) VCF-style: chr5-112174788-A-G.
Other names: c.2345A>G, p.Tyr782Cys (NM_001407471.1, NM_001407472.1); c.3497A>G, p.Tyr1166Cys (NM_001127510.3, NM_001354895.2, NM_001407450.1); c.3443A>G, p.Tyr1148Cys (NM_001127511.3); c.3551A>G, p.Tyr1184Cys (NM_001354896.2, NM_001407447.1, NM_001407448.1 and 1 more transcripts); c.3527A>G, p.Tyr1176Cys (NM_001354897.2); c.3422A>G, p.Tyr1141Cys (NM_001354898.2); c.3413A>G, p.Tyr1138Cys (NM_001354899.2); c.3374A>G, p.Tyr1125Cys (NM_001354900.2); and 11 more; short protein forms Y1006C, Y1037C, Y1040C, Y782C, Y883C, Y1125C, Y1138C, Y1159C.
Identifiers: ClinVar variation 3412666 (VCV003412666.1).
Genomic context (GRCh38, chr5:112,839,091, plus strand): 5'-GTTACTCTGAAGAAGAACAGCATGAAGAAGAAGAGAGACCAACAAATTATAGCATAAAAT[A>G]TAATGAAGAGAAACGTCATGTGGATCAGCCTATTGATTATAGTTTAAAATATGCCACAGA-3'
Protein context (NP_000029.2, residues 1156-1176): EERPTNYSIK[Tyr1166Cys]NEEKRHVDQP

ClinVar aggregate classification (germline): Uncertain significance (1 of 4 stars; one submission).

Conditions:
Hereditary cancer-predisposing syndrome. Also called: Neoplastic Syndromes, Hereditary; Tumor predisposition; Hereditary Cancer Syndrome; Hereditary neoplastic syndrome. Identifiers: Orphanet 140162, MedGen C0027672, MeSH D009386, MONDO:0015356.

gnomAD v4.1: 2 of 1,614,124 alleles (0.00012%); highest among the groups gnomAD compares: Admixed American, 0.0033%; no homozygotes.

Submission:

Ambry Genetics
Classification: Uncertain significance for Hereditary cancer-predisposing syndrome. Last evaluated: 2024-12-02. Review status: criteria provided, single submitter. Criteria: Ambry Variant Classification Scheme 2023. Collection method: clinical testing. Allele origin: germline.
Comment: The p.Y1166C variant (also known as c.3497A>G), located in coding exon 15 of the APC gene, results from an A to G substitution at nucleotide position 3497. The tyrosine at codon 1166 is replaced by cysteine, an amino acid with highly dissimilar properties. This amino acid position is conserved. In addition, in silico predictors for this gene do not accurately predict pathogenicity. Based on the available evidence, the clinical significance of this variant remains unclear.